The following is an entry in ClinVar:

NM_020066.5(FMN2):c.2895C>T (p.Pro965=)

Gene: FMN2 (formin 2; plus strand). Cytogenetic location: 1q43.
Variant type: single nucleotide variant.
Coding change: c.2895C>T on transcript NM_020066.5 (MANE Select); coding-DNA position 2895, C replaced by T.
Protein change: p.Pro965=; no amino-acid change (proline 965 retained).
Molecular consequence: synonymous variant. On other transcripts: intron variant (1).
Genome position (GRCh38, 1-based): chr1:240,207,707, C>T. VCF-style: chr1-240207707-C-T. GRCh37 (hg19) VCF-style: chr1-240371007-C-T.
Other names: c.2907C>T, p.Pro969= (NM_001305424.2); c.1986+19445C>T (NM_001348094.2).
Identifiers: ClinVar variation 3257584 (VCV003257584.17).
Genomic context (GRCh38, chr1:240,207,707, plus strand): 5'-GCCCCCTCTACCCGGAGCGGCAATACCCCCTCCGCCCCCTCTTCCCGGGGCAGGCATACC[C>T]CTTCCTCCCCCTCTTCCCGGAGCAGGAATACCTCCTCCACCCCCTCTACCCGGAGCGGGC-3'
Protein context (NP_064450.3, residues 955-975): PPPPLPGAGI[Pro965=]LPPPLPGAGI

ClinVar aggregate classification (germline): Likely benign (1 of 4 stars; one submission).

Submission:

CeGaT Center for Human Genetics Tuebingen
Classification: Likely benign. Last evaluated: 2025-09-01. Review status: criteria provided, single submitter. Criteria: CeGaT Center For Human Genetics Tuebingen Variant Classification Criteria Version 2. Collection method: clinical testing. Allele origin: germline. Affected: yes. Observed: 2 variant alleles.
Comment: FMN2: BP4, BP7